The following is an entry in ClinVar:

ClinVar aggregate classification (germline): Benign. Review status: criteria provided, multiple submitters, no conflicts (2 of 4 stars). 4 submissions from 4 submitters: Benign (3). 1 of the submissions does not count toward it. Last evaluated 2026-02-03.

Conditions:
LAMB1-related disorder. Also called: LAMB1-related condition.

Allele frequency attached by ClinVar (database versions not stated): 1000 Genomes Project 30x 0.04731; ESP Exome Variant Server 0.04898; gnomAD exomes 0.00391 and 0.01042; ExAC 0.01268; gnomAD 0.03897 and 0.04173; TOPMed 0.04416; 1000 Genomes Project 0.04573.

Submissions (4):

Labcorp Genetics (formerly Invitae), Labcorp
Classification: Benign. Last evaluated: 2026-02-03. Review status: criteria provided, single submitter. Criteria: Invitae Variant Classification Sherloc (09022015). Collection method: clinical testing. Allele origin: germline.

GeneDx
Classification: Benign. Last evaluated: 2016-02-25. Review status: criteria provided, single submitter. Criteria: GeneDx Variant Classification (06012015). Collection method: clinical testing. Allele origin: germline. Affected: yes.
Comment: This variant is considered likely benign or benign based on one or more of the following criteria: it is a conservative change, it occurs at a poorly conserved position in the protein, it is predicted to be benign by multiple in silico algorithms, and/or has population frequency not consistent with disease.

Breakthrough Genomics
Classification: Benign. Review status: criteria provided, single submitter. Criteria: ACMG Guidelines, 2015. Collection method: not provided. Allele origin: germline. Inheritance: Autosomal recessive inheritance. Affected: yes.

PreventionGenetics, part of Exact Sciences
Classification: Benign for LAMB1-related condition. Last evaluated: 2019-05-09. Review status: no assertion criteria provided. Collection method: clinical testing. Allele origin: germline. Not counted in ClinVar's aggregate classification.
Comment: This variant is classified as benign based on ACMG/AMP sequence variant interpretation guidelines (Richards et al. 2015 PMID: 25741868, with internal and published modifications).

NM_002291.3(LAMB1):c.3342C>T (p.Cys1114=)

Gene: LAMB1 (laminin subunit beta 1; minus strand). Cytogenetic location: 7q31.1.
Variant type: single nucleotide variant.
Coding change: c.3342C>T on transcript NM_002291.3 (MANE Select); coding-DNA position 3342, C replaced by T.
Protein change: p.Cys1114=; no amino-acid change (cysteine 1114 retained).
Molecular consequence: synonymous variant.
Genome position (GRCh38, 1-based): chr7:107,951,275, G>A on the plus strand (C>T on the coding strand, the complement: LAMB1 is on the minus strand). VCF-style: chr7-107951275-G-A. GRCh37 (hg19) VCF-style: chr7-107591720-G-A.
Identifiers: ClinVar variation 382140 (VCV000382140.13), dbSNP rs25660, ClinGen allele CA4435352.